The following is an entry in ClinVar:

NM_012233.3(RAB3GAP1):c.217T>G (p.Ser73Ala)

Gene: RAB3GAP1 (RAB3 GTPase activating protein catalytic subunit 1; plus strand). Cytogenetic location: 2q21.3.
Variant type: single nucleotide variant.
Coding change: c.217T>G on transcript NM_012233.3 (MANE Select); coding-DNA position 217, T replaced by G.
Protein change: p.Ser73Ala; replaces serine 73 with alanine.
Molecular consequence: missense variant.
Genome position (GRCh38, 1-based): chr2:135,091,064, T>G. VCF-style: chr2-135091064-T-G. GRCh37 (hg19) VCF-style: chr2-135848634-T-G.
Other names: c.217T>G, p.Ser73Ala (NM_001172435.2); short protein forms S73A.
Identifiers: ClinVar variation 436463 (VCV000436463.13), dbSNP rs372673436, ClinGen allele CA1884461.

ClinVar aggregate classification (germline): Uncertain significance. Review status: criteria provided, multiple submitters, no conflicts (2 of 4 stars). 4 submissions from 4 submitters: Uncertain significance (4). Last evaluated 2024-11-13.

Conditions:
Inborn genetic diseases. Identifiers: MedGen C0950123, MeSH D030342.

Allele frequency attached by ClinVar (database versions not stated): ExAC 0.00003; gnomAD exomes 0.00003 and 0.00005; ESP Exome Variant Server 0.00015; 1000 Genomes Project 0.00020; TOPMed 0.00027; gnomAD 0.00030 and 0.00033; 1000 Genomes Project 30x 0.00031.
gnomAD v4.1: 88 of 1,606,870 alleles (0.0055%); highest among the groups gnomAD compares: African/African-American, 0.11%; 1 homozygote.

Submissions (4):

Ambry Genetics
Classification: Uncertain significance for Inborn genetic diseases. Last evaluated: 2024-11-13. Review status: criteria provided, single submitter. Criteria: Ambry Variant Classification Scheme 2023. Collection method: clinical testing. Allele origin: germline.

GeneDx
Classification: Uncertain significance. Last evaluated: 2021-10-11. Review status: criteria provided, single submitter. Criteria: GeneDx Variant Classification Process June 2021. Collection method: clinical testing. Allele origin: germline. Affected: yes.
Comment: In silico analysis supports that this missense variant does not alter protein structure/function; Has not been previously published as pathogenic or benign to our knowledge

Labcorp Genetics (formerly Invitae), Labcorp
Classification: Uncertain significance. Last evaluated: 2021-09-17. Review status: criteria provided, single submitter. Criteria: Invitae Variant Classification Sherloc (09022015). Collection method: clinical testing. Allele origin: germline.
Comment: This sequence change replaces serine with alanine at codon 73 of the RAB3GAP1 protein (p.Ser73Ala). The serine residue is moderately conserved and there is a moderate physicochemical difference between serine and alanine. This variant is present in population databases (rs372673436, ExAC 0.04%). This variant has not been reported in the literature in individuals affected with RAB3GAP1-related conditions. ClinVar contains an entry for this variant (Variation ID: 436463). Algorithms developed to predict the effect of missense changes on protein structure and function (SIFT, PolyPhen-2, Align-GVGD) all suggest that this variant is likely to be tolerated. In summary, the available evidence is currently insufficient to determine the role of this variant in disease. Therefore, it has been classified as a Variant of Uncertain Significance.

Genetic Services Laboratory, University of Chicago
Classification: Uncertain significance. Last evaluated: 2016-10-13. Review status: criteria provided, single submitter. Criteria: ACMG Guidelines, 2015. Collection method: clinical testing. Allele origin: germline. Affected: no.